The following is an entry in ClinVar:

NM_000632.4(ITGAM):c.2868+4G>A

Gene: ITGAM (integrin subunit alpha M; plus strand). Cytogenetic location: 16p11.2.
Variant type: single nucleotide variant.
Coding change: c.2868+4G>A on transcript NM_000632.4 (MANE Select); 4 bases into the intron after coding-DNA position 2868, G replaced by A.
Molecular consequence: intron variant.
Genome position (GRCh38, 1-based): chr16:31,329,307, G>A. VCF-style: chr16-31329307-G-A. GRCh37 (hg19) VCF-style: chr16-31340628-G-A.
Other names: c.2871+4G>A (NM_001145808.2).
Identifiers: ClinVar variation 4810849 (VCV004810849.1).
Genomic context (GRCh38, chr16:31,329,307, plus strand): 5'-TATCTCAACTTCACGGCCTCAGAGAATACCAGTCGGGTCATGCAGCATCAATATCAGGTG[G>A]GCAGCTGGGACGTCTGGGTCCTGAGAAGGAGGCTGGGGAGGAAAATCGATGGTAGAAAAT-3'

ClinVar aggregate classification (germline): Uncertain significance (1 of 4 stars; one submission).

gnomAD v4.1: 2 of 1,604,590 alleles (0.00012%); highest among the groups gnomAD compares: Non-Finnish European, 0.00017%; no homozygotes.

Submission:

Labcorp Genetics (formerly Invitae), Labcorp
Classification: Uncertain significance. Last evaluated: 2025-08-24. Review status: criteria provided, single submitter. Criteria: Invitae Variant Classification Sherloc (09022015). Collection method: clinical testing. Allele origin: germline.
Comment: This sequence change falls in intron 24 of the ITGAM gene. It does not directly change the encoded amino acid sequence of the ITGAM protein. It affects a nucleotide within the consensus splice site. This variant is present in population databases (rs767431906, gnomAD 0.002%). This variant has not been reported in the literature in individuals affected with ITGAM-related conditions. Variants that disrupt the consensus splice site are a relatively common cause of aberrant splicing (PMID: 17576681, 9536098). Algorithms developed to predict the effect of sequence changes on RNA splicing suggest that this variant is not likely to affect RNA splicing. In summary, the available evidence is currently insufficient to determine the role of this variant in disease. Therefore, it has been classified as a Variant of Uncertain Significance.

Literature cited by the submitters: PubMed 17576681; PubMed 9536098.